The following is an entry in ClinVar:

ClinVar aggregate classification (germline): Uncertain significance. Review status: criteria provided, multiple submitters, no conflicts (2 of 4 stars). 2 submissions from 2 submitters: Uncertain significance (2). Last evaluated 2024-01-06.

gnomAD v4.1: 12 of 1,612,078 alleles (0.00074%); highest among the groups gnomAD compares: Non-Finnish European, 0.001%; no homozygotes.

Submissions (2):

Labcorp Genetics (formerly Invitae), Labcorp
Classification: Uncertain significance. Last evaluated: 2024-01-06. Review status: criteria provided, single submitter. Criteria: Invitae Variant Classification Sherloc (09022015). Collection method: clinical testing. Allele origin: germline.
Comment: This sequence change replaces phenylalanine, which is neutral and non-polar, with leucine, which is neutral and non-polar, at codon 533 of the ZNF408 protein (p.Phe533Leu). This variant is present in population databases (no rsID available, gnomAD 0.0009%). This variant has not been reported in the literature in individuals affected with ZNF408-related conditions. ClinVar contains an entry for this variant (Variation ID: 1958864). An algorithm developed to predict the effect of missense changes on protein structure and function (PolyPhen-2) suggests that this variant is likely to be disruptive. In summary, the available evidence is currently insufficient to determine the role of this variant in disease. Therefore, it has been classified as a Variant of Uncertain Significance.

Blueprint Genetics
Classification: Uncertain significance. Last evaluated: 2021-08-13. Review status: criteria provided, single submitter. Criteria: ACMG Guidelines, 2015. Collection method: clinical testing. Allele origin: germline.

NM_024741.3(ZNF408):c.1599C>A (p.Phe533Leu)

Gene: ZNF408 (zinc finger protein 408; plus strand). Cytogenetic location: 11p11.2.
Variant type: single nucleotide variant.
Coding change: c.1599C>A on transcript NM_024741.3 (MANE Select); coding-DNA position 1599, C replaced by A.
Protein change: p.Phe533Leu; replaces phenylalanine 533 with leucine.
Molecular consequence: missense variant.
Genome position (GRCh38, 1-based): chr11:46,705,299, C>A. VCF-style: chr11-46705299-C-A. GRCh37 (hg19) VCF-style: chr11-46726849-C-A.
Other names: c.1575C>A, p.Phe525Leu (NM_001184751.2); short protein forms F533L, F525L.
Identifiers: ClinVar variation 1958864 (VCV001958864.6), dbSNP rs765845582, ClinGen allele CA221634087.